The following is an entry in ClinVar:

ClinVar aggregate classification (germline): Uncertain significance. Review status: criteria provided, multiple submitters, no conflicts (2 of 4 stars). 2 submissions from 2 submitters: Uncertain significance (2). Last evaluated 2025-06-23.

Conditions:
Arrhythmogenic right ventricular dysplasia 5. Also called: Arrhythmogenic Right Ventricular Dysplasia/Cardiomyopathy 5; ARRHYTHMOGENIC RIGHT VENTRICULAR DYSPLASIA, FAMILIAL, 5. Identifiers: MedGen C1858379, MONDO:0011459, OMIM 604400.
Cardiomyopathy (CMYO). Also called: Cardiomyopathies. Identifiers: Orphanet 167848, MedGen C0878544, MONDO:0004994, HP:0001638. Inheritance: Various modes of inheritance.

Allele frequency attached by ClinVar (database versions not stated): gnomAD 0.00001; gnomAD exomes below 0.00001; 1000 Genomes Project 30x 0.00031; 1000 Genomes Project 0.00020.
gnomAD v4.1: 1 of 1,614,182 alleles (0.000062%); highest among the groups gnomAD compares: Admixed American, 0.0017%; no homozygotes.

Submissions (2):

Color Diagnostics, LLC DBA Color Health
Classification: Uncertain significance for Cardiomyopathy. Last evaluated: 2025-06-23. Review status: criteria provided, single submitter. Criteria: ACMG Guidelines, 2015. Collection method: clinical testing. Allele origin: germline.
Comment: This missense variant replaces lysine with arginine at codon 204 of the TMEM43 protein. Computational prediction suggests that this variant may not impact protein structure and function. To our knowledge, functional studies have not been reported for this variant. This variant has not been reported in individuals affected with TMEM43-related disorders in the literature. This variant has been identified in 1/251448 chromosomes in the general population by the Genome Aggregation Database (gnomAD). The available evidence is insufficient to determine the role of this variant in disease conclusively. Therefore, this variant is classified as a Variant of Uncertain Significance.

Labcorp Genetics (formerly Invitae), Labcorp
Classification: Uncertain significance for Arrhythmogenic right ventricular dysplasia 5. Last evaluated: 2022-07-25. Review status: criteria provided, single submitter. Criteria: Invitae Variant Classification Sherloc (09022015). Collection method: clinical testing. Allele origin: germline.
Comment: This sequence change replaces lysine, which is basic and polar, with arginine, which is basic and polar, at codon 204 of the TMEM43 protein (p.Lys204Arg). This variant is not present in population databases (gnomAD no frequency). This variant has not been reported in the literature in individuals affected with TMEM43-related conditions. ClinVar contains an entry for this variant (Variation ID: 1375632). Algorithms developed to predict the effect of missense changes on protein structure and function (SIFT, PolyPhen-2, Align-GVGD) all suggest that this variant is likely to be tolerated. Algorithms developed to predict the effect of sequence changes on RNA splicing suggest that this variant may create or strengthen a splice site. In summary, the available evidence is currently insufficient to determine the role of this variant in disease. Therefore, it has been classified as a Variant of Uncertain Significance.

NM_024334.3(TMEM43):c.611A>G (p.Lys204Arg)

Gene: TMEM43 (transmembrane protein 43; plus strand). Cytogenetic location: 3p25.1.
Variant type: single nucleotide variant.
Coding change: c.611A>G on transcript NM_024334.3 (MANE Select); coding-DNA position 611, A replaced by G.
Protein change: p.Lys204Arg; replaces lysine 204 with arginine.
Molecular consequence: missense variant.
Genome position (GRCh38, 1-based): chr3:14,134,797, A>G. VCF-style: chr3-14134797-A-G. GRCh37 (hg19) VCF-style: chr3-14176297-A-G.
Other names: short protein forms K204R.
Identifiers: ClinVar variation 1375632 (VCV001375632.6), dbSNP rs568657650, ClinGen allele CA69731201.